The following is an entry in ClinVar:

NM_001044385.3(TMEM237):c.206C>G (p.Thr69Ser)

Gene: TMEM237 (transmembrane protein 237; minus strand). Cytogenetic location: 2q33.1.
Variant type: single nucleotide variant.
Coding change: c.206C>G on transcript NM_001044385.3 (MANE Select); coding-DNA position 206, C replaced by G.
Protein change: p.Thr69Ser; replaces threonine 69 with serine.
Molecular consequence: missense variant.
Genome position (GRCh38, 1-based): chr2:201,636,816, G>C on the plus strand (C>G on the coding strand, the complement: TMEM237 is on the minus strand). VCF-style: chr2-201636816-G-C. GRCh37 (hg19) VCF-style: chr2-202501539-G-C.
Other names: c.182C>G, p.Thr61Ser (NM_152388.4); short protein forms T69S, T61S.
Identifiers: ClinVar variation 1409266 (VCV001409266.5), dbSNP rs372581479, ClinGen allele CA2056549.

ClinVar aggregate classification (germline): Uncertain significance (1 of 4 stars; one submission).

Conditions:
Joubert syndrome 14 (JBTS14). Identifiers: MedGen C3280766, MONDO:0013745, OMIM 614424.

Allele frequency attached by ClinVar (database versions not stated): gnomAD exomes below 0.00001; ExAC 0.00002; gnomAD 0.00002; TOPMed 0.00004; ESP Exome Variant Server 0.00008; 1000 Genomes Project 30x 0.00031.
gnomAD v4.1: 12 of 1,602,546 alleles (0.00075%); highest among the groups gnomAD compares: Admixed American, 0.0034%; no homozygotes.

Submission:

Labcorp Genetics (formerly Invitae), Labcorp
Classification: Uncertain significance for Joubert syndrome 14. Last evaluated: 2021-08-28. Review status: criteria provided, single submitter. Criteria: Invitae Variant Classification Sherloc (09022015). Collection method: clinical testing. Allele origin: germline.
Comment: This sequence change replaces threonine with serine at codon 69 of the TMEM237 protein (p.Thr69Ser). The threonine residue is moderately conserved and there is a small physicochemical difference between threonine and serine. This variant is present in population databases (rs372581479, ExAC 0.003%). This variant has not been reported in the literature in individuals affected with TMEM237-related conditions. Algorithms developed to predict the effect of missense changes on protein structure and function (SIFT, PolyPhen-2, Align-GVGD) all suggest that this variant is likely to be tolerated. Algorithms developed to predict the effect of sequence changes on RNA splicing suggest that this variant may create or strengthen a splice site. In summary, the available evidence is currently insufficient to determine the role of this variant in disease. Therefore, it has been classified as a Variant of Uncertain Significance.